The following is an entry in ClinVar:

ClinVar aggregate classification (germline): Uncertain significance (1 of 4 stars; one submission).

Conditions:
Catecholaminergic polymorphic ventricular tachycardia 1. Also called: RYR2-Related Catecholaminergic Polymorphic Ventricular Tachycardia; VENTRICULAR TACHYCARDIA, CATECHOLAMINERGIC POLYMORPHIC, 1, WITH OR WITHOUT ATRIAL DYSFUNCTION AND/OR DILATED CARDIOMYOPATHY; VENTRICULAR TACHYCARDIA, STRESS-INDUCED POLYMORPHIC 1. Identifiers: Orphanet 3286, MedGen C1631597, MONDO:0011484, OMIM 604772.

Submission:

Labcorp Genetics (formerly Invitae), Labcorp
Classification: Uncertain significance for Catecholaminergic polymorphic ventricular tachycardia 1. Last evaluated: 2023-04-28. Review status: criteria provided, single submitter. Criteria: Invitae Variant Classification Sherloc (09022015). Collection method: clinical testing. Allele origin: unknown.
Comment: In summary, the available evidence is currently insufficient to determine the role of this variant in disease. Therefore, it has been classified as a Variant of Uncertain Significance. This variant has not been reported in the literature in individuals affected with RYR2-related conditions. This variant is a gross deletion of the genomic region encompassing exon(s) 64-73 of the RYR2 gene. This deletion is out-of-frame, and is expected to create a premature translational stop signal and result in an absent or disrupted protein product. However, the current clinical and genetic evidence is not sufficient to establish whether loss-of-function variants in RYR2 cause disease.

NC_000001.10:g.(?_237862245)_(237881841_?)del

Gene: RYR2 (ryanodine receptor 2; plus strand). Cytogenetic location: 1q43.
Variant type: Deletion.
Identifiers: ClinVar variation 3247730 (VCV003247730.1).